The following is an entry in ClinVar:

ClinVar aggregate classification (germline): Uncertain significance (1 of 4 stars; one submission).

Conditions:
NOTCH3-related disorder. Also called: NOTCH3-related condition; NOTCH3-related disorders.

Submission:

PreventionGenetics, part of Exact Sciences
Classification: Uncertain significance for NOTCH3-related condition. Last evaluated: 2023-09-25. Review status: criteria provided, single submitter. Criteria: ACMG Guidelines, 2015. Collection method: clinical testing. Allele origin: germline.
Comment: The NOTCH3 c.5485G>T variant is predicted to result in the amino acid substitution p.Ala1829Ser. To our knowledge, this variant has not been reported in the literature or in a large population database, indicating this variant is rare. At this time, the clinical significance of this variant is uncertain due to the absence of conclusive functional and genetic evidence.

NM_000435.3(NOTCH3):c.5485G>T (p.Ala1829Ser)

Gene: NOTCH3 (notch receptor 3; minus strand). Cytogenetic location: 19p13.12.
Variant type: single nucleotide variant.
Coding change: c.5485G>T on transcript NM_000435.3 (MANE Select); coding-DNA position 5485, G replaced by T.
Protein change: p.Ala1829Ser; replaces alanine 1829 with serine.
Molecular consequence: missense variant.
Genome position (GRCh38, 1-based): chr19:15,165,969, C>A on the plus strand (G>T on the coding strand, the complement: NOTCH3 is on the minus strand). VCF-style: chr19-15165969-C-A. GRCh37 (hg19) VCF-style: chr19-15276780-C-A.
Other names: short protein forms A1829S.
Identifiers: ClinVar variation 2631082 (VCV002631082.1), dbSNP rs1463964404, ClinGen allele CA404494750.